The following is an entry in ClinVar:

ClinVar aggregate classification (germline): Uncertain significance. Review status: criteria provided, multiple submitters, no conflicts (2 of 4 stars). 3 submissions from 3 submitters: Uncertain significance (3). Last evaluated 2025-09-09.

Conditions:
Inborn genetic diseases. Identifiers: MedGen C0950123, MeSH D030342.

Allele frequency attached by ClinVar (database versions not stated): gnomAD 0.00001; ExAC 0.00001; gnomAD exomes 0.00001; TOPMed 0.00001.
gnomAD v4.1: 18 of 1,613,276 alleles (0.0011%); highest among the groups gnomAD compares: Non-Finnish European, 0.0014%; no homozygotes.

Submissions (3):

Labcorp Genetics (formerly Invitae), Labcorp
Classification: Uncertain significance. Last evaluated: 2025-09-09. Review status: criteria provided, single submitter. Criteria: Invitae Variant Classification Sherloc (09022015). Collection method: clinical testing. Allele origin: germline.
Comment: This sequence change replaces valine, which is neutral and non-polar, with alanine, which is neutral and non-polar, at codon 670 of the HSPG2 protein (p.Val670Ala). This variant is present in population databases (rs751385854, gnomAD 0.003%). This variant has not been reported in the literature in individuals affected with HSPG2-related conditions. ClinVar contains an entry for this variant (Variation ID: 2391160). An algorithm developed to predict the effect of missense changes on protein structure and function (PolyPhen-2) suggests that this variant is likely to be disruptive. In summary, the available evidence is currently insufficient to determine the role of this variant in disease. Therefore, it has been classified as a Variant of Uncertain Significance.

Athena Diagnostics
Classification: Uncertain significance. Last evaluated: 2024-10-07. Review status: criteria provided, single submitter. Criteria: Athena Diagnostics Criteria. Collection method: clinical testing. Allele origin: unknown.
Comment: Available data are insufficient to determine the clinical significance of the variant at this time. The frequency of this variant in the general population is uninformative in assessment of its pathogenicity. Polyphen and MutationTaster yielded discordant predictions regarding whether this amino acid change is damaging to the protein.

Ambry Genetics
Classification: Uncertain significance for Inborn genetic diseases. Last evaluated: 2021-12-21. Review status: criteria provided, single submitter. Criteria: Ambry Variant Classification Scheme 2023. Collection method: clinical testing. Allele origin: germline.

NM_005529.7(HSPG2):c.2009T>C (p.Val670Ala)

Gene: HSPG2 (heparan sulfate proteoglycan 2; minus strand). Cytogenetic location: 1p36.12.
Variant type: single nucleotide variant.
Coding change: c.2009T>C on transcript NM_005529.7 (MANE Select); coding-DNA position 2009, T replaced by C.
Protein change: p.Val670Ala; replaces valine 670 with alanine.
Molecular consequence: missense variant.
Genome position (GRCh38, 1-based): chr1:21,880,549, A>G on the plus strand (T>C on the coding strand, the complement: HSPG2 is on the minus strand). VCF-style: chr1-21880549-A-G. GRCh37 (hg19) VCF-style: chr1-22207042-A-G.
Other names: c.2012T>C, p.Val671Ala (NM_001291860.2); c.2009T>C (NM_005529.6); short protein forms V670A, V671A.
Identifiers: ClinVar variation 2391160 (VCV002391160.5), dbSNP rs751385854, ClinGen allele CA673218.